The following is an entry in ClinVar:

ClinVar aggregate classification (germline): Uncertain significance (1 of 4 stars; one submission).

Allele frequency attached by ClinVar (database versions not stated): gnomAD exomes below 0.00001.
gnomAD v4.1: 2 of 1,211,283 alleles (0.00017%); highest among the groups gnomAD compares: Admixed American, 0.0043%; no homozygotes.

Submission:

Labcorp Genetics (formerly Invitae), Labcorp
Classification: Uncertain significance. Last evaluated: 2023-02-13. Review status: criteria provided, single submitter. Criteria: Invitae Variant Classification Sherloc (09022015). Collection method: clinical testing. Allele origin: germline.
Comment: This sequence change replaces glutamic acid, which is acidic and polar, with lysine, which is basic and polar, at codon 142 of the FGD1 protein (p.Glu142Lys). This variant is present in population databases (no rsID available, gnomAD 0.008%). This variant has not been reported in the literature in individuals affected with FGD1-related conditions. Advanced modeling of protein sequence and biophysical properties (such as structural, functional, and spatial information, amino acid conservation, physicochemical variation, residue mobility, and thermodynamic stability) performed at Invitae indicates that this missense variant is not expected to disrupt FGD1 protein function. In summary, the available evidence is currently insufficient to determine the role of this variant in disease. Therefore, it has been classified as a Variant of Uncertain Significance.

NM_004463.3(FGD1):c.424G>A (p.Glu142Lys)

Gene: FGD1 (FYVE, RhoGEF and PH domain containing 1; minus strand). Cytogenetic location: Xp11.22.
Variant type: single nucleotide variant.
Coding change: c.424G>A on transcript NM_004463.3 (MANE Select); coding-DNA position 424, G replaced by A.
Protein change: p.Glu142Lys; replaces glutamic acid 142 with lysine.
Molecular consequence: missense variant.
Genome position (GRCh38, 1-based): chrX:54,471,371, C>T on the plus strand (G>A on the coding strand, the complement: FGD1 is on the minus strand). VCF-style: chrX-54471371-C-T. GRCh37 (hg19) VCF-style: chrX-54497804-C-T.
Other names: short protein forms E142K.
Identifiers: ClinVar variation 2022235 (VCV002022235.4), dbSNP rs1303177629, ClinGen allele CA413250366.